The following is an entry in ClinVar:

NM_017837.4(PIGV):c.333A>G (p.Leu111=)

Gene: PIGV (phosphatidylinositol glycan anchor biosynthesis class V; plus strand). Cytogenetic location: 1p36.11.
Variant type: single nucleotide variant.
Coding change: c.333A>G on transcript NM_017837.4 (MANE Select); coding-DNA position 333, A replaced by G.
Protein change: p.Leu111=; no amino-acid change (leucine 111 retained).
Molecular consequence: synonymous variant. On other transcripts: 5 prime UTR variant (1), non-coding transcript variant (1), intron variant (3).
Genome position (GRCh38, 1-based): chr1:26,794,367, A>G. VCF-style: chr1-26794367-A-G. GRCh37 (hg19) VCF-style: chr1-27120858-A-G.
Other names: c.333A>G, p.Leu111= (NM_001202554.2, NM_001374478.1, NM_001374480.1 and 2 more transcripts); c.-49A>G (NM_001374483.1); c.172+161A>G (NM_001374484.1, NM_001374485.1); c.79-3196A>G (NM_001374486.1).
Identifiers: ClinVar variation 513865 (VCV000513865.5), dbSNP rs1186562909, ClinGen allele CA416969438.

ClinVar aggregate classification (germline): Likely benign. Review status: criteria provided, multiple submitters, no conflicts (2 of 4 stars). 2 submissions from 2 submitters: Likely benign (2). Last evaluated 2023-12-13.

Allele frequency attached by ClinVar (database versions not stated): gnomAD exomes 0.00001; TOPMed 0.00001.
gnomAD v4.1: 9 of 1,614,238 alleles (0.00056%); highest among the groups gnomAD compares: Admixed American, 0.0017%; no homozygotes.

Submissions (2):

Labcorp Genetics (formerly Invitae), Labcorp
Classification: Likely benign. Last evaluated: 2023-12-13. Review status: criteria provided, single submitter. Criteria: Invitae Variant Classification Sherloc (09022015). Collection method: clinical testing. Allele origin: germline.

GeneDx
Classification: Likely benign. Last evaluated: 2017-12-05. Review status: criteria provided, single submitter. Criteria: GeneDx Variant Classification (06012015). Collection method: clinical testing. Allele origin: germline. Affected: yes.
Comment: This variant is considered likely benign or benign based on one or more of the following criteria: it is a conservative change, it occurs at a poorly conserved position in the protein, it is predicted to be benign by multiple in silico algorithms, and/or has population frequency not consistent with disease.